The following is an entry in ClinVar:

ClinVar aggregate classification (germline): Conflicting classifications of pathogenicity. Review status: criteria provided, conflicting classifications (1 of 4 stars). 2 submissions from 2 submitters: Uncertain significance (1); Likely benign (1). Last evaluated 2026-04-04.

Conditions:
Syndromic X-linked intellectual disability 94 (MRXSW). Also called: MENTAL RETARDATION, X-LINKED, SYNDROMIC 29; X-linked intellectual disability due to GRIA3 anomalies. Identifiers: Orphanet 364028, MedGen C2678051, MONDO:0010402, OMIM 300699.

Allele frequency attached by ClinVar (database versions not stated): gnomAD exomes 0.00001; TOPMed 0.00001; ExAC 0.00003.
gnomAD v4.1: 10 of 1,175,519 alleles (0.00085%); highest among the groups gnomAD compares: South Asian, 0.018%; no homozygotes.

Submissions (2):

Centre for Medical Genetics,  Mumbai
Classification: Likely benign for Syndromic X-linked intellectual disability 94. Last evaluated: 2026-04-04. Review status: criteria provided, single submitter. Criteria: ACMG Guidelines, 2015. Collection method: provider interpretation. Allele origin: germline. Inheritance: X-linked recessive inheritance. Affected: no. Observed: 1 variant allele, 1 homozygote.
Comment: The variant satisfies PM2 criteria; Extremely low frequency in gnomAD population databases. The variant satisfies BP4 criteria; For a missense or a splice region variant, computational prediction tools unanimously support a benign effect on the gene. However, the variant satisfies BS2 criteria.

Labcorp Genetics (formerly Invitae), Labcorp
Classification: Uncertain significance. Last evaluated: 2023-10-29. Review status: criteria provided, single submitter. Criteria: Invitae Variant Classification Sherloc (09022015). Collection method: clinical testing. Allele origin: germline.
Comment: This sequence change replaces serine, which is neutral and polar, with asparagine, which is neutral and polar, at codon 35 of the GRIA3 protein (p.Ser35Asn). This variant is present in population databases (rs758469536, gnomAD 0.02%). This variant has not been reported in the literature in individuals affected with GRIA3-related conditions. Advanced modeling of protein sequence and biophysical properties (such as structural, functional, and spatial information, amino acid conservation, physicochemical variation, residue mobility, and thermodynamic stability) performed at Invitae indicates that this missense variant is not expected to disrupt GRIA3 protein function with a negative predictive value of 80%. In summary, the available evidence is currently insufficient to determine the role of this variant in disease. Therefore, it has been classified as a Variant of Uncertain Significance.

Literature cited by the submitters: PubMed 17989220 (cited by Centre for Medical Genetics,  Mumbai).

NM_007325.5(GRIA3):c.104G>A (p.Ser35Asn)

Gene: GRIA3 (glutamate ionotropic receptor AMPA type subunit 3; plus strand). Cytogenetic location: Xq25.
Variant type: single nucleotide variant.
Coding change: c.104G>A on transcript NM_007325.5 (MANE Select); coding-DNA position 104, G replaced by A.
Protein change: p.Ser35Asn; replaces serine 35 with asparagine.
Molecular consequence: missense variant.
Genome position (GRCh38, 1-based): chrX:123,184,639, G>A. VCF-style: chrX-123184639-G-A. GRCh37 (hg19) VCF-style: chrX-122318491-G-A.
Other names: c.104G>A, p.Ser35Asn (NM_000828.5, NM_001256743.2); short protein forms S35N.
Identifiers: ClinVar variation 2795546 (VCV002795546.4), dbSNP rs758469536, ClinGen allele CA10506817.
Genomic context (GRCh38, chrX:123,184,639, plus strand): 5'-TCTTCTTTTTAGTCCTGGGGCTTTTGGGTCATTCTCACGGAGGATTCCCCAACACCATCA[G>A]CATAGGTAAGCGCAAGCGAGCCAGCCGTCGGTCCAGGCTCTCCCTCACCCGAGACCACTG-3'
Protein context (NP_015564.5, residues 25-45): HSHGGFPNTI[Ser35Asn]IGGLFMRNTV